The following is an entry in ClinVar:

ClinVar aggregate classification (germline): Pathogenic (1 of 4 stars; one submission).

Allele frequency attached by ClinVar (database versions not stated): gnomAD 0.00003; TOPMed 0.00003; 1000 Genomes Project 30x 0.00016; 1000 Genomes Project 0.00020.
gnomAD v4.1: 7 of 1,614,206 alleles (0.00043%); highest among the groups gnomAD compares: African/African-American, 0.008%; no homozygotes.

Submission:

Labcorp Genetics (formerly Invitae), Labcorp
Classification: Pathogenic. Last evaluated: 2023-07-10. Review status: criteria provided, single submitter. Criteria: Invitae Variant Classification Sherloc (09022015). Collection method: clinical testing. Allele origin: germline.
Comment: This variant has not been reported in the literature in individuals affected with GNAT1-related conditions. For these reasons, this variant has been classified as Pathogenic. The frequency data for this variant in the population databases is considered unreliable, as metrics indicate poor data quality at this position in the gnomAD database. This sequence change creates a premature translational stop signal (p.Tyr57*) in the GNAT1 gene. It is expected to result in an absent or disrupted protein product. Loss-of-function variants in GNAT1 are known to be pathogenic (PMID: 11095744, 31736247).

Literature cited by the submitters: PubMed 11095744; PubMed 31736247.

NM_144499.3(GNAT1):c.171C>G (p.Tyr57Ter)

Gene: GNAT1 (G protein subunit alpha transducin 1; plus strand). Cytogenetic location: 3p21.31.
Variant type: single nucleotide variant.
Coding change: c.171C>G on transcript NM_144499.3 (MANE Select); coding-DNA position 171, C replaced by G.
Protein change: p.Tyr57Ter; replaces tyrosine 57 with a stop codon.
Molecular consequence: nonsense.
Genome position (GRCh38, 1-based): chr3:50,193,286, C>G. VCF-style: chr3-50193286-C-G. GRCh37 (hg19) VCF-style: chr3-50230719-C-G.
Other names: c.171C>G, p.Tyr57Ter (NM_000172.4); short protein forms Y57*.
Identifiers: ClinVar variation 2966092 (VCV002966092.3), dbSNP rs190126440, ClinGen allele CA74601059.